The following is an entry in ClinVar:

ClinVar aggregate classification (germline): Benign. Review status: criteria provided, multiple submitters, no conflicts (2 of 4 stars). 3 submissions from 3 submitters: Benign (2). 1 of the submissions does not count toward it. Last evaluated 2026-01-27.

Conditions:
SNRPB-related disorder. Also called: SNRPB-related condition.

Allele frequency attached by ClinVar (database versions not stated): TOPMed 0.01026; 1000 Genomes Project 30x 0.00781; ESP Exome Variant Server 0.00917; gnomAD 0.01019 and 0.00933; ExAC 0.00290; gnomAD exomes 0.00231; 1000 Genomes Project 0.00759.
gnomAD v4.1: 2,702 of 1,594,048 alleles (0.17%); highest among the groups gnomAD compares: African/African-American, 3.3%; 53 homozygotes.

Submissions (3):

Labcorp Genetics (formerly Invitae), Labcorp
Classification: Benign. Last evaluated: 2026-01-27. Review status: criteria provided, single submitter. Criteria: Invitae Variant Classification Sherloc (09022015). Collection method: clinical testing. Allele origin: germline.

Breakthrough Genomics
Classification: Benign. Review status: criteria provided, single submitter. Criteria: ACMG Guidelines, 2015. Collection method: not provided. Allele origin: germline. Inheritance: Autosomal dominant inheritance. Affected: yes.

PreventionGenetics, part of Exact Sciences
Classification: Benign for SNRPB-related condition. Last evaluated: 2019-06-05. Review status: no assertion criteria provided. Collection method: clinical testing. Allele origin: germline. Not counted in ClinVar's aggregate classification.
Comment: This variant is classified as benign based on ACMG/AMP sequence variant interpretation guidelines (Richards et al. 2015 PMID: 25741868, with internal and published modifications).

NM_003091.4(SNRPB):c.612G>A (p.Gly204=)

Gene: SNRPB (small nuclear ribonucleoprotein polypeptides B and B1; minus strand). Cytogenetic location: 20p13.
Variant type: single nucleotide variant.
Coding change: c.612G>A on transcript NM_003091.4 (MANE Select); coding-DNA position 612, G replaced by A.
Protein change: p.Gly204=; no amino-acid change (glycine 204 retained).
Molecular consequence: synonymous variant.
Genome position (GRCh38, 1-based): chr20:2,462,709, C>T on the plus strand (G>A on the coding strand, the complement: SNRPB is on the minus strand). VCF-style: chr20-2462709-C-T. GRCh37 (hg19) VCF-style: chr20-2443355-C-T.
Other names: c.612G>A, p.Gly204= (NM_198216.2).
Identifiers: ClinVar variation 769063 (VCV000769063.14), dbSNP rs73571229, ClinGen allele CA9732389.